The following is an entry in ClinVar:

ClinVar aggregate classification (germline): Uncertain significance (1 of 4 stars; one submission).

Conditions:
Hereditary cancer-predisposing syndrome. Also called: Tumor predisposition; Hereditary neoplastic syndrome; Hereditary Cancer Syndrome; Neoplastic Syndromes, Hereditary. Identifiers: Orphanet 140162, MedGen C0027672, MeSH D009386, MONDO:0015356.

gnomAD v4.1: 1 of 1,614,078 alleles (0.000062%); highest among the groups gnomAD compares: Non-Finnish European, 0.000085%; no homozygotes.

Submission:

Ambry Genetics
Classification: Uncertain significance for Hereditary cancer-predisposing syndrome. Last evaluated: 2025-04-11. Review status: criteria provided, single submitter. Criteria: Ambry Variant Classification Scheme 2023. Collection method: clinical testing. Allele origin: germline.
Comment: The p.S204G variant (also known as c.610A>G), located in coding exon 7 of the SMARCE1 gene, results from an A to G substitution at nucleotide position 610. The serine at codon 204 is replaced by glycine, an amino acid with similar properties. This amino acid position is conserved. In addition, the in silico prediction for this alteration is inconclusive. Based on the available evidence, the clinical significance of this variant remains unclear.

NM_003079.5(SMARCE1):c.610A>G (p.Ser204Gly)

Gene: SMARCE1 (SWI/SNF related BAF chromatin remodeling complex subunit E1; minus strand). Cytogenetic location: 17q21.2.
Variant type: single nucleotide variant.
Coding change: c.610A>G on transcript NM_003079.5 (MANE Select); coding-DNA position 610, A replaced by G.
Protein change: p.Ser204Gly; replaces serine 204 with glycine.
Molecular consequence: missense variant.
Genome position (GRCh38, 1-based): chr17:40,632,299, T>C on the plus strand (A>G on the coding strand, the complement: SMARCE1 is on the minus strand). VCF-style: chr17-40632299-T-C. GRCh37 (hg19) VCF-style: chr17-38788551-T-C.
Other names: short protein forms S204G.
Identifiers: ClinVar variation 3958594 (VCV003958594.1).